The following is an entry in ClinVar:

ClinVar aggregate classification (germline): Pathogenic (1 of 4 stars; one submission).

Conditions:
Retinoblastoma (RB1). Also called: RETINOBLASTOMA, SOMATIC. Identifiers: Orphanet 790, MedGen C0035335, MeSH D012175, MONDO:0008380, OMIM 180200, HP:0009919. Disease mechanism: loss of function. Inheritance: Both sporadic and heritable forms are tested..

Submission:

Labcorp Genetics (formerly Invitae), Labcorp
Classification: Pathogenic for Retinoblastoma. Last evaluated: 2016-09-21. Review status: criteria provided, single submitter. Criteria: Invitae Variant Classification Sherloc (09022015). Collection method: clinical testing. Allele origin: germline.
Comment: This sequence change deletes 4 nucleotides from exon 21 of the RB1 mRNA (c.2194_2197delCCTC), causing a frameshift at codon 732. This creates a premature translational stop signal (p.Pro732Metfs*11) and is expected to result in an absent or disrupted protein product. While this particular variant has not been reported in the literature, truncating variants in RB1 are known to be pathogenic (PMID: 17096365). For these reasons, this variant has been classified as Pathogenic.

Literature cited by the submitters: PubMed 17096365.

NM_000321.3(RB1):c.2194_2197del (p.Pro732fs)

Gene: RB1 (RB transcriptional corepressor 1; plus strand). Cytogenetic location: 13q14.2.
Variant type: Deletion.
Coding change: c.2194_2197del on transcript NM_000321.3 (MANE Select); coding-DNA positions 2194 to 2197, 4 bases deleted (CCTC; older notation c.2194_2197delCCTC).
Protein change: p.Pro732fs; shifts the reading frame from proline 732.
Molecular consequence: frameshift variant.
Genome position (GRCh38, 1-based): chr13:48,463,818-48,463,821, CCTC deleted. VCF-style (leftmost placement, unchanged base first): chr13-48463817-TCCTC-T. GRCh37 (hg19) VCF-style: chr13-49037953-TCCTC-T.
Other names: c.2194_2197delCCTC (NM_000321.2); short protein forms P732fs.
Identifiers: ClinVar variation 410922 (VCV000410922.7), dbSNP rs1060503075, ClinGen allele CA16614023.